The following is an entry in ClinVar:

ClinVar aggregate classification (germline): Uncertain significance. Review status: criteria provided, multiple submitters, no conflicts (2 of 4 stars). 3 submissions from 3 submitters: Uncertain significance (3). Last evaluated 2026-01-22.

Conditions:
Hereditary cancer-predisposing syndrome. Also called: Neoplastic Syndromes, Hereditary; Tumor predisposition; Hereditary Cancer Syndrome; Hereditary neoplastic syndrome. Identifiers: Orphanet 140162, MedGen C0027672, MeSH D009386, MONDO:0015356.
Tuberous sclerosis syndrome (TSC). Also called: Tuberous Sclerosis Complex; Tuberous sclerosis. Identifiers: Orphanet 805, MedGen C0041341, MONDO:0001734.
Tuberous sclerosis 2 (TSC2). Identifiers: Orphanet 805, MedGen C1860707, MONDO:0013199, OMIM 613254.

Submissions (3):

Ambry Genetics
Classification: Uncertain significance for Hereditary cancer-predisposing syndrome. Last evaluated: 2026-01-22. Review status: criteria provided, single submitter. Criteria: Ambry Variant Classification Scheme 2023. Collection method: clinical testing. Allele origin: germline.
Comment: The p.E942K variant (also known as c.2824G>A), located in coding exon 24 of the TSC2 gene, results from a G to A substitution at nucleotide position 2824. The glutamic acid at codon 942 is replaced by lysine, an amino acid with similar properties. This amino acid position is conserved. In addition, this alteration is predicted to be deleterious by in silico analysis. Based on the available evidence, the clinical significance of this variant remains unclear.

Labcorp Genetics (formerly Invitae), Labcorp
Classification: Uncertain significance for Tuberous sclerosis 2. Last evaluated: 2024-11-04. Review status: criteria provided, single submitter. Criteria: Invitae Variant Classification Sherloc (09022015). Collection method: clinical testing. Allele origin: germline.
Comment: This sequence change replaces glutamic acid, which is acidic and polar, with lysine, which is basic and polar, at codon 942 of the TSC2 protein (p.Glu942Lys). This variant is not present in population databases (gnomAD no frequency). This variant has not been reported in the literature in individuals affected with TSC2-related conditions. ClinVar contains an entry for this variant (Variation ID: 3073008). Invitae Evidence Modeling of protein sequence and biophysical properties (such as structural, functional, and spatial information, amino acid conservation, physicochemical variation, residue mobility, and thermodynamic stability) indicates that this missense variant is not expected to disrupt TSC2 protein function with a negative predictive value of 95%. In summary, the available evidence is currently insufficient to determine the role of this variant in disease. Therefore, it has been classified as a Variant of Uncertain Significance.

All of Us Research Program, National Institutes of Health
Classification: Uncertain significance for Tuberous sclerosis syndrome. Last evaluated: 2023-08-15. Review status: criteria provided, single submitter. Criteria: ACMG Guidelines, 2015. Collection method: clinical testing. Allele origin: germline. Inheritance: Autosomal dominant inheritance. Observed: 1 variant allele, 1 heterozygote.
Comment: This missense variant replaces glutamic acid with lysine at codon 942 of the TSC2 protein. Computational prediction is inconclusive regarding the impact of this variant on protein structure and function (internally defined REVEL score threshold 0.5 < inconclusive < 0.7, PMID: 27666373). To our knowledge, functional studies have not been reported for this variant. This variant has not been reported in individuals affected with TSC2-related disorders in the literature. This variant has not been identified in the general population by the Genome Aggregation Database (gnomAD). The available evidence is insufficient to determine the role of this variant in disease conclusively. Therefore, this variant is classified as a Variant of Uncertain Significance.

This study involves interpretation of variants in research participants for the purpose of population health screening. Participant phenotype was not available at the time of variant classification. Additional details can be found in publication PMID: 35346344, PMCID: PMC8962531

NM_000548.5(TSC2):c.2824G>A (p.Glu942Lys)

Gene: TSC2 (TSC complex subunit 2; plus strand). Cytogenetic location: 16p13.3.
Variant type: single nucleotide variant.
Coding change: c.2824G>A on transcript NM_000548.5 (MANE Select); coding-DNA position 2824, G replaced by A.
Protein change: p.Glu942Lys; replaces glutamic acid 942 with lysine.
Molecular consequence: missense variant. On other transcripts: non-coding transcript variant (5).
Genome position (GRCh38, 1-based): chr16:2,076,572, G>A. VCF-style: chr16-2076572-G-A. GRCh37 (hg19) VCF-style: chr16-2126573-G-A.
Other names: c.2824G>A, p.Glu942Lys (NM_001077183.3, NM_001114382.3, NM_001363528.2 and 6 more transcripts); c.2713G>A, p.Glu905Lys (NM_001318827.2, NM_001406670.1, NM_001406678.1); c.2677G>A, p.Glu893Lys (NM_001318829.2, NM_001406675.1, NM_001406676.1 and 1 more transcripts); c.2224G>A, p.Glu742Lys (NM_001318831.2, NM_001406680.1, NM_001406682.1 and 6 more transcripts); c.2857G>A, p.Glu953Lys (NM_001318832.2); c.2362G>A, p.Glu788Lys (NM_001406681.1); c.2914G>A, p.Glu972Lys (NM_001406667.1, NM_001406668.1); c.2812G>A, p.Glu938Lys (NM_001406671.1, NM_001406673.1); and 3 more; short protein forms E408K, E494K, E742K, E788K, E893K, E905K, E923K, E938K.
Identifiers: ClinVar variation 3073008 (VCV003073008.4), dbSNP rs45517270, ClinGen allele CA394280210.